The following is an entry in ClinVar:

NM_000492.4(CFTR):c.3600A>T (p.Lys1200Asn)

Genes: CFTR (CF transmembrane conductance regulator; plus strand), CFTR-AS2 (CFTR antisense RNA 2; minus strand). Cytogenetic location: 7q31.2.
Variant type: single nucleotide variant.
Coding change: c.3600A>T on transcript NM_000492.4 (MANE Select); coding-DNA position 3600, A replaced by T.
Protein change: p.Lys1200Asn; replaces lysine 1200 with asparagine.
Molecular consequence: missense variant.
Genome position (GRCh38, 1-based): chr7:117,627,653, A>T. VCF-style: chr7-117627653-A-T. GRCh37 (hg19) VCF-style: chr7-117267707-A-T.
Other names: short protein forms K1200N.
Identifiers: ClinVar variation 2453641 (VCV002453641.2), dbSNP rs397508586, ClinGen allele CA368997120.

ClinVar aggregate classification (germline): Uncertain significance (1 of 4 stars; one submission).

Conditions:
Cystic fibrosis (CF). Also called: MUCOVISCIDOSIS. Identifiers: Orphanet 586, MedGen C0010674, MONDO:0009061, OMIM 219700. Disease mechanism: loss of function.

Submission:

Ambry Genetics
Classification: Uncertain significance for Cystic fibrosis. Last evaluated: 2023-01-15. Review status: criteria provided, single submitter. Criteria: Ambry Variant Classification Scheme 2023. Collection method: clinical testing. Allele origin: germline.
Comment: The p.K1200N variant (also known as c.3600A>T), located in coding exon 22 of the CFTR gene, results from an A to T substitution at nucleotide position 3600. The lysine at codon 1200 is replaced by asparagine, an amino acid with similar properties. This amino acid position is conserved. In addition, this alteration is predicted to be tolerated by in silico analysis. Since supporting evidence is limited at this time, the clinical significance of this alteration remains unclear.